The following is an entry in ClinVar:

NM_002519.3(NPAT):c.2794A>G (p.Ile932Val)

Gene: NPAT (nuclear protein, coactivator of histone transcription; minus strand). Cytogenetic location: 11q22.3.
Variant type: single nucleotide variant.
Coding change: c.2794A>G on transcript NM_002519.3 (MANE Select); coding-DNA position 2794, A replaced by G.
Protein change: p.Ile932Val; replaces isoleucine 932 with valine.
Molecular consequence: missense variant.
Genome position (GRCh38, 1-based): chr11:108,170,035, T>C on the plus strand (A>G on the coding strand, the complement: NPAT is on the minus strand). VCF-style: chr11-108170035-T-C. GRCh37 (hg19) VCF-style: chr11-108040762-T-C.
Other names: c.2794A>G, p.Ile932Val (NM_001321307.1); short protein forms I932V.
Identifiers: ClinVar variation 3621874 (VCV003621874.2).
Genomic context (GRCh38, chr11:108,170,035, plus strand): 5'-ATACTGGGATCATCCCTACCATTCCTTGGAGTACAGGCTGGACTGGAGAGGCAATTATTA[T>C]GGCAGATCCTAAAAAAACAATTCTTGTTAAAAAAAGATTTTCTCTGAAATGTTTTGGCAC-3'
Protein context (NP_002510.2, residues 922-942): VSPNFSQGSA[Ile932Val]IIASPVQPVL

ClinVar aggregate classification (germline): Uncertain significance (1 of 4 stars; one submission).

Submission:

Labcorp Genetics (formerly Invitae), Labcorp
Classification: Uncertain significance. Last evaluated: 2024-06-14. Review status: criteria provided, single submitter. Criteria: Invitae Variant Classification Sherloc (09022015). Collection method: clinical testing. Allele origin: germline.
Comment: This sequence change replaces isoleucine, which is neutral and non-polar, with valine, which is neutral and non-polar, at codon 932 of the NPAT protein (p.Ile932Val). This variant is present in population databases (rs371292836, gnomAD 0.01%). This variant has not been reported in the literature in individuals affected with NPAT-related conditions. An algorithm developed to predict the effect of missense changes on protein structure and function (PolyPhen-2) suggests that this variant is likely to be disruptive. In summary, the available evidence is currently insufficient to determine the role of this variant in disease. Therefore, it has been classified as a Variant of Uncertain Significance.